The following is an entry in ClinVar:

NM_021815.5(SLC5A7):c.502T>G (p.Ser168Ala)

Gene: SLC5A7 (solute carrier family 5 member 7; plus strand). Cytogenetic location: 2q12.3.
Variant type: single nucleotide variant.
Coding change: c.502T>G on transcript NM_021815.5 (MANE Select); coding-DNA position 502, T replaced by G.
Protein change: p.Ser168Ala; replaces serine 168 with alanine.
Molecular consequence: missense variant. On other transcripts: 5 prime UTR variant (1).
Genome position (GRCh38, 1-based): chr2:107,997,891, T>G. VCF-style: chr2-107997891-T-G. GRCh37 (hg19) VCF-style: chr2-108614347-T-G.
Other names: c.502T>G, p.Ser168Ala (NM_001305005.3); c.187T>G, p.Ser63Ala (NM_001305006.3); c.-203T>G (NM_001305007.3); short protein forms S168A, S63A.
Identifiers: ClinVar variation 2227874 (VCV002227874.2), dbSNP rs997818382, ClinGen allele CA53967968.
Genomic context (GRCh38, chr2:107,997,891, plus strand): 5'-GTTTCAGGAGCCACCATCAGCGTGATCATCGATGTGGATATGCACATTTCTGTCATCATC[T>G]CTGCACTCATTGCCACTCTGTACACACTGGTGGGAGGGCTCTATTCTGTGGCCTACACTG-3'
Protein context (NP_068587.1, residues 158-178): DVDMHISVII[Ser168Ala]ALIATLYTLV

ClinVar aggregate classification (germline): Uncertain significance (1 of 4 stars; one submission).

Conditions:
Inborn genetic diseases. Identifiers: MedGen C0950123, MeSH D030342.

Allele frequency attached by ClinVar (database versions not stated): TOPMed below 0.00001.

Submission:

Ambry Genetics
Classification: Uncertain significance for Inborn genetic diseases. Last evaluated: 2020-11-04. Review status: criteria provided, single submitter. Criteria: Ambry Variant Classification Scheme 2023. Collection method: clinical testing. Allele origin: germline.
Comment: The c.502T>G (p.S168A) alteration is located in exon 5 (coding exon 4) of the SLC5A7 gene. This alteration results from a T to G substitution at nucleotide position 502, causing the serine (S) at amino acid position 168 to be replaced by an alanine (A). Based on data from the Genome Aggregation Database (gnomAD), the SLC5A7 c.502T>G alteration was not observed, with coverage at this position. The in silico prediction for the p.S168A alteration is inconclusive. Based on insufficient or conflicting evidence, the clinical significance of this alteration remains unclear.